The following is an entry in ClinVar:

ClinVar aggregate classification (germline): Uncertain significance (1 of 4 stars; one submission).

Submission:

Ambry Genetics
Classification: Uncertain significance. Last evaluated: 2025-06-14. Review status: criteria provided, single submitter. Criteria: Ambry Variant Classification Scheme 2023. Collection method: clinical testing. Allele origin: germline.
Comment: The p.Q356R variant (also known as c.1067A>G), located in coding exon 9 of the FAM175A gene, results from an A to G substitution at nucleotide position 1067. The glutamine at codon 356 is replaced by arginine, an amino acid with highly similar properties. This amino acid position is conserved. In addition, this alteration is predicted to be tolerated by in silico analysis. Based on the available evidence, the clinical significance of this variant remains unclear.

NM_139076.3(ABRAXAS1):c.1067A>G (p.Gln356Arg)

Gene: ABRAXAS1 (abraxas 1, BRCA1 A complex subunit; minus strand). Cytogenetic location: 4q21.23.
Variant type: single nucleotide variant.
Coding change: c.1067A>G on transcript NM_139076.3 (MANE Select); coding-DNA position 1067, A replaced by G.
Protein change: p.Gln356Arg; replaces glutamine 356 with arginine.
Molecular consequence: missense variant.
Genome position (GRCh38, 1-based): chr4:83,462,632, T>C on the plus strand (A>G on the coding strand, the complement: ABRAXAS1 is on the minus strand). VCF-style: chr4-83462632-T-C. GRCh37 (hg19) VCF-style: chr4-84383785-T-C.
Other names: c.740A>G, p.Gln247Arg (NM_001345962.2); short protein forms Q356R, Q247R.
Identifiers: ClinVar variation 3994663 (VCV003994663.1).